The following is an entry in ClinVar:

ClinVar aggregate classification (germline): Uncertain significance. Review status: criteria provided, multiple submitters, no conflicts (2 of 4 stars). 2 submissions from 2 submitters: Uncertain significance (2). Last evaluated 2024-08-01.

Allele frequency attached by ClinVar (database versions not stated): TOPMed 0.00001.
gnomAD v4.1: 18 of 1,613,842 alleles (0.0011%); highest among the groups gnomAD compares: Non-Finnish European, 0.0013%; no homozygotes.

Submissions (2):

Labcorp Genetics (formerly Invitae), Labcorp
Classification: Uncertain significance. Last evaluated: 2024-08-01. Review status: criteria provided, single submitter. Criteria: Invitae Variant Classification Sherloc (09022015). Collection method: clinical testing. Allele origin: germline.
Comment: This sequence change replaces leucine, which is neutral and non-polar, with valine, which is neutral and non-polar, at codon 328 of the NR2E3 protein (p.Leu328Val). This variant is not present in population databases (gnomAD no frequency). This variant has not been reported in the literature in individuals affected with NR2E3-related conditions. ClinVar contains an entry for this variant (Variation ID: 1429296). Advanced modeling of protein sequence and biophysical properties (such as structural, functional, and spatial information, amino acid conservation, physicochemical variation, residue mobility, and thermodynamic stability) performed at Invitae indicates that this missense variant is not expected to disrupt NR2E3 protein function with a negative predictive value of 80%. In summary, the available evidence is currently insufficient to determine the role of this variant in disease. Therefore, it has been classified as a Variant of Uncertain Significance.

Blueprint Genetics
Classification: Uncertain significance. Last evaluated: 2022-02-22. Review status: criteria provided, single submitter. Criteria: ACMG Guidelines, 2015. Collection method: clinical testing. Allele origin: germline.

NM_014249.4(NR2E3):c.982C>G (p.Leu328Val)

Gene: NR2E3 (nuclear receptor subfamily 2 group E member 3; plus strand). Cytogenetic location: 15q23.
Variant type: single nucleotide variant.
Coding change: c.982C>G on transcript NM_014249.4 (MANE Select); coding-DNA position 982, C replaced by G.
Protein change: p.Leu328Val; replaces leucine 328 with valine.
Molecular consequence: missense variant.
Genome position (GRCh38, 1-based): chr15:71,813,623, C>G. VCF-style: chr15-71813623-C-G. GRCh37 (hg19) VCF-style: chr15-72105964-C-G.
Other names: c.982C>G, p.Leu328Val (NM_016346.4); short protein forms L328V.
Identifiers: ClinVar variation 1429296 (VCV001429296.8), dbSNP rs747469901, ClinGen allele CA393038066.